The following is an entry in ClinVar:

ClinVar aggregate classification (germline): Uncertain significance (1 of 4 stars; one submission).

gnomAD v4.1: 7 of 1,590,668 alleles (0.00044%); highest among the groups gnomAD compares: Middle Eastern, 0.017%; no homozygotes.

Submission:

Labcorp Genetics (formerly Invitae), Labcorp
Classification: Uncertain significance. Last evaluated: 2023-05-22. Review status: criteria provided, single submitter. Criteria: Invitae Variant Classification Sherloc (09022015). Collection method: clinical testing. Allele origin: germline.
Comment: In summary, the available evidence is currently insufficient to determine the role of this variant in disease. Therefore, it has been classified as a Variant of Uncertain Significance. This sequence change replaces alanine, which is neutral and non-polar, with threonine, which is neutral and polar, at codon 591 of the DZIP1L protein (p.Ala591Thr). The frequency data for this variant in the population databases is considered unreliable, as metrics indicate poor data quality at this position in the gnomAD database. This variant has not been reported in the literature in individuals affected with DZIP1L-related conditions. ClinVar contains an entry for this variant (Variation ID: 2087097). Algorithms developed to predict the effect of missense changes on protein structure and function output the following: SIFT: "Not Available"; PolyPhen-2: "Benign"; Align-GVGD: "Not Available". The threonine amino acid residue is found in multiple mammalian species, which suggests that this missense change does not adversely affect protein function.

NM_173543.3(DZIP1L):c.1771G>A (p.Ala591Thr)

Gene: DZIP1L (DAZ interacting zinc finger protein 1 like; minus strand). Cytogenetic location: 3q22.3.
Variant type: single nucleotide variant.
Coding change: c.1771G>A on transcript NM_173543.3 (MANE Select); coding-DNA position 1771, G replaced by A.
Protein change: p.Ala591Thr; replaces alanine 591 with threonine.
Molecular consequence: missense variant.
Genome position (GRCh38, 1-based): chr3:138,068,212, C>T on the plus strand (G>A on the coding strand, the complement: DZIP1L is on the minus strand). VCF-style: chr3-138068212-C-T. GRCh37 (hg19) VCF-style: chr3-137787054-C-T.
Other names: short protein forms A591T.
Identifiers: ClinVar variation 2087097 (VCV002087097.4), dbSNP rs760024871, ClinGen allele CA2634807.